The following is an entry in ClinVar:

ClinVar aggregate classification (germline): Uncertain significance (1 of 4 stars; one submission).

Conditions:
46,XY sex reversal 6. Also called: 46,XY SEX REVERSAL, PARTIAL OR COMPLETE, MAP3K1-RELATED; 46,XY GONADAL DYSGENESIS, PARTIAL OR COMPLETE, MAP3K1-RELATED. Identifiers: MedGen C3151064, MONDO:0013410, OMIM 613762.

Submission:

Labcorp Genetics (formerly Invitae), Labcorp
Classification: Uncertain significance for 46,XY sex reversal 6. Last evaluated: 2022-12-05. Review status: criteria provided, single submitter. Criteria: Invitae Variant Classification Sherloc (09022015). Collection method: clinical testing. Allele origin: germline.
Comment: This variant is not present in population databases (gnomAD no frequency). This sequence change replaces threonine, which is neutral and polar, with alanine, which is neutral and non-polar, at codon 847 of the MAP3K1 protein (p.Thr847Ala). In summary, the available evidence is currently insufficient to determine the role of this variant in disease. Therefore, it has been classified as a Variant of Uncertain Significance. Advanced modeling of protein sequence and biophysical properties (such as structural, functional, and spatial information, amino acid conservation, physicochemical variation, residue mobility, and thermodynamic stability) performed at Invitae indicates that this missense variant is not expected to disrupt MAP3K1 protein function. This variant has not been reported in the literature in individuals affected with MAP3K1-related conditions.

NM_005921.2(MAP3K1):c.2539A>G (p.Thr847Ala)

Gene: MAP3K1 (mitogen-activated protein kinase kinase kinase 1; plus strand). Cytogenetic location: 5q11.2.
Variant type: single nucleotide variant.
Coding change: c.2539A>G on transcript NM_005921.2 (MANE Select); coding-DNA position 2539, A replaced by G.
Protein change: p.Thr847Ala; replaces threonine 847 with alanine.
Molecular consequence: missense variant.
Genome position (GRCh38, 1-based): chr5:56,881,739, A>G. VCF-style: chr5-56881739-A-G. GRCh37 (hg19) VCF-style: chr5-56177566-A-G.
Other names: short protein forms T847A.
Identifiers: ClinVar variation 2813233 (VCV002813233.3), dbSNP rs2530952655, ClinGen allele CA359786015.